The following is an entry in ClinVar:

NM_000208.4(INSR):c.1459A>C (p.Lys487Gln)

Gene: INSR (insulin receptor; minus strand). Cytogenetic location: 19p13.2.
Variant type: single nucleotide variant.
Coding change: c.1459A>C on transcript NM_000208.4 (MANE Select); coding-DNA position 1459, A replaced by C.
Protein change: p.Lys487Gln; replaces lysine 487 with glutamine.
Molecular consequence: missense variant.
Genome position (GRCh38, 1-based): chr19:7,170,561, T>G on the plus strand (A>C on the coding strand, the complement: INSR is on the minus strand). VCF-style: chr19-7170561-T-G. GRCh37 (hg19) VCF-style: chr19-7170572-T-G.
Other names: c.1459A>C, p.Lys487Gln (NM_001079817.3); short protein forms K487Q.
Identifiers: ClinVar variation 917412 (VCV000917412.1), dbSNP rs121913136, ClinGen allele CA403667101.

ClinVar aggregate classification (germline): Uncertain significance (1 of 4 stars; one submission).

Conditions:
Monogenic diabetes. Identifiers: Orphanet 183625, MedGen C3888631, MONDO:0015967.

Submission:

Personalized Diabetes Medicine Program, University of Maryland School of Medicine
Classification: Uncertain significance for Monogenic diabetes. Last evaluated: 2018-08-24. Review status: criteria provided, single submitter. Criteria: ACMG Guidelines, 2015. Collection method: research. Allele origin: unknown. Observed: 1 variant allele, 1 heterozygote.
Comment: ACMG criteria: (PP3:5 predictors, BP4:4 predictors and REVEL=0.393, conflicting evidence, not using both), PM2=VUS. Note: K487E was reported in PMID: 2834824 in trans with nonsense mutation in patient with extreme insulin resistance.